The following is an entry in ClinVar:

NM_001378452.1(ITPR1):c.2722A>G (p.Ser908Gly)

Gene: ITPR1 (inositol 1,4,5-trisphosphate receptor type 1; plus strand). Cytogenetic location: 3p26.1.
Variant type: single nucleotide variant.
Coding change: c.2722A>G on transcript NM_001378452.1 (MANE Select); coding-DNA position 2722, A replaced by G.
Protein change: p.Ser908Gly; replaces serine 908 with glycine.
Molecular consequence: missense variant.
Genome position (GRCh38, 1-based): chr3:4,675,191, A>G. VCF-style: chr3-4675191-A-G. GRCh37 (hg19) VCF-style: chr3-4716875-A-G.
Other names: c.2722A>G, p.Ser908Gly (NM_001099952.4); c.2677A>G, p.Ser893Gly (NM_001168272.2, NM_002222.7); short protein forms S893G, S908G.
Identifiers: ClinVar variation 2832934 (VCV002832934.3), dbSNP rs2470765215, ClinGen allele CA351648625.
Genomic context (GRCh38, chr3:4,675,191, plus strand): 5'-TTAACTAAGATCCTTCTGGCCATATTGGACTGTGTACATGTGACAACAATCTTCCCCATT[A>G]GCAAGATGGCGAAAGGAGAAGAGAATAAAGGTAACAATGATGTGGAGAAGCTGAAGAGTG-3'
Protein context (NP_001365381.1, residues 898-918): CVHVTTIFPI[Ser908Gly]KMAKGEENKG

ClinVar aggregate classification (germline): Uncertain significance (1 of 4 stars; one submission).

gnomAD v4.1: 1 of 1,612,636 alleles (0.000062%); highest among the groups gnomAD compares: Admixed American, 0.0017%; no homozygotes.

Submission:

Labcorp Genetics (formerly Invitae), Labcorp
Classification: Uncertain significance. Last evaluated: 2023-01-30. Review status: criteria provided, single submitter. Criteria: Invitae Variant Classification Sherloc (09022015). Collection method: clinical testing. Allele origin: germline.
Comment: This sequence change replaces serine, which is neutral and polar, with glycine, which is neutral and non-polar, at codon 893 of the ITPR1 protein (p.Ser893Gly). This variant is not present in population databases (gnomAD no frequency). This variant has not been reported in the literature in individuals affected with ITPR1-related conditions. Advanced modeling of protein sequence and biophysical properties (such as structural, functional, and spatial information, amino acid conservation, physicochemical variation, residue mobility, and thermodynamic stability) performed at Invitae indicates that this missense variant is not expected to disrupt ITPR1 protein function. In summary, the available evidence is currently insufficient to determine the role of this variant in disease. Therefore, it has been classified as a Variant of Uncertain Significance.